The following is an entry in ClinVar:

ClinVar aggregate classification (germline): Uncertain significance (1 of 4 stars; one submission).

Submission:

CeGaT Center for Human Genetics Tuebingen
Classification: Uncertain significance. Last evaluated: 2026-07-01. Review status: criteria provided, single submitter. Criteria: CeGaT Center For Human Genetics Tuebingen Variant Classification Criteria Version 2. Collection method: clinical testing. Allele origin: germline. Affected: yes. Observed: 1 variant allele.
Comment: AMER1: PM2

NM_152424.4(AMER1):c.1093T>A (p.Tyr365Asn)

Gene: AMER1 (APC membrane recruitment protein 1; minus strand). Cytogenetic location: Xq11.2.
Variant type: single nucleotide variant.
Coding change: c.1093T>A on transcript NM_152424.4 (MANE Select); coding-DNA position 1093, T replaced by A.
Protein change: p.Tyr365Asn; replaces tyrosine 365 with asparagine.
Molecular consequence: missense variant.
Genome position (GRCh38, 1-based): chrX:64,192,194, A>T on the plus strand (T>A on the coding strand, the complement: AMER1 is on the minus strand). VCF-style: chrX-64192194-A-T. GRCh37 (hg19) VCF-style: chrX-63412074-A-T.
Other names: short protein forms Y365N.
Identifiers: ClinVar variation 5040411 (VCV005040411.1).
Genomic context (GRCh38, chrX:64,192,194, plus strand): 5'-CCTCTTCTTCCTCCTCGTCATCATCATCTGGCAAGGCCATCTCCTCCCCACCTCCTTGGT[A>T]GGTCACCAGGCAGGAACTTCGCTTGGTCCCATCTCGGTTTGCTCTCTGGCCCCCAGAGGC-3'
Protein context (NP_689637.3, residues 355-375): GTKRSSCLVT[Tyr365Asn]QGGGEEMALP